The following is an entry in ClinVar:

NM_018706.7(DHTKD1):c.1048A>G (p.Asn350Asp)

Gene: DHTKD1 (dehydrogenase E1 and transketolase domain containing 1; plus strand). Cytogenetic location: 10p14.
Variant type: single nucleotide variant.
Coding change: c.1048A>G on transcript NM_018706.7 (MANE Select); coding-DNA position 1048, A replaced by G.
Protein change: p.Asn350Asp; replaces asparagine 350 with aspartic acid.
Molecular consequence: missense variant.
Genome position (GRCh38, 1-based): chr10:12,091,573, A>G. VCF-style: chr10-12091573-A-G. GRCh37 (hg19) VCF-style: chr10-12133572-A-G.
Other names: short protein forms N350D.
Identifiers: ClinVar variation 618592 (VCV000618592.23), dbSNP rs34716552, ClinGen allele CA5407735.
Genomic context (GRCh38, chr10:12,091,573, plus strand): 5'-GTCCATGGTGATGCTTCTTTCTGTGGTCAAGGGATTGTTCCTGAAACATTCACGCTGTCC[A>G]ATCTCCCACATTTCAGAATTGGTGGGAGTGTGCATTTGATTGTTAATAACCAGCTGGGTT-3'
Protein context (NP_061176.4, residues 340-360): GIVPETFTLS[Asn350Asp]LPHFRIGGSV

ClinVar aggregate classification (germline): Benign/Likely benign. Review status: criteria provided, multiple submitters, no conflicts (2 of 4 stars). 4 submissions from 4 submitters: Benign (1); Likely benign (2). 1 of the submissions does not count toward it. Last evaluated 2026-01-18.

Conditions:
DHTKD1-related disorder. Also called: DHTKD1-related condition.
2-aminoadipic 2-oxoadipic aciduria (AAKAD). Also called: Aminoadipic aciduria; ALPHA-AMINOADIPIC AND ALPHA-KETOADIPIC ACIDURIA. Identifiers: Orphanet 79154, MedGen C1859817, MONDO:0008774, OMIM 204750.

Allele frequency attached by ClinVar (database versions not stated): gnomAD exomes 0.00047 and 0.00118; ExAC 0.00147; gnomAD 0.00457 and 0.00493; TOPMed 0.00533; ESP Exome Variant Server 0.00554; 1000 Genomes Project 0.00579; 1000 Genomes Project 30x 0.00625.
gnomAD v4.1: 1,394 of 1,613,348 alleles (0.086%); highest among the groups gnomAD compares: African/African-American, 1.7%; 9 homozygotes.

Submissions (4):

Labcorp Genetics (formerly Invitae), Labcorp
Classification: Benign for 2-aminoadipic 2-oxoadipic aciduria. Last evaluated: 2026-01-18. Review status: criteria provided, single submitter. Criteria: Invitae Variant Classification Sherloc (09022015). Collection method: clinical testing. Allele origin: germline.

ARUP Laboratories, Molecular Genetics and Genomics, ARUP Laboratories
Classification: Likely benign. Last evaluated: 2023-09-11. Review status: criteria provided, single submitter. Criteria: ARUP Molecular Germline Variant Investigation Process 2024. Collection method: clinical testing. Allele origin: germline.

Breakthrough Genomics
Classification: Likely benign. Review status: criteria provided, single submitter. Criteria: ACMG Guidelines, 2015. Collection method: not provided. Allele origin: germline. Inheritance: Autosomal recessive inheritance. Affected: yes.

PreventionGenetics, part of Exact Sciences
Classification: Benign for DHTKD1-related condition. Last evaluated: 2019-09-17. Review status: no assertion criteria provided. Collection method: clinical testing. Allele origin: germline. Not counted in ClinVar's aggregate classification.
Comment: This variant is classified as benign based on ACMG/AMP sequence variant interpretation guidelines (Richards et al. 2015 PMID: 25741868, with internal and published modifications).